The following is an entry in ClinVar:

NM_006766.5(KAT6A):c.1603C>T (p.Pro535Ser)

Gene: KAT6A (lysine acetyltransferase 6A; minus strand). Cytogenetic location: 8p11.21.
Variant type: single nucleotide variant.
Coding change: c.1603C>T on transcript NM_006766.5 (MANE Select); coding-DNA position 1603, C replaced by T.
Protein change: p.Pro535Ser; replaces proline 535 with serine.
Molecular consequence: missense variant.
Genome position (GRCh38, 1-based): chr8:41,949,359, G>A on the plus strand (C>T on the coding strand, the complement: KAT6A is on the minus strand). VCF-style: chr8-41949359-G-A. GRCh37 (hg19) VCF-style: chr8-41806877-G-A.
Other names: c.1603C>T, p.Pro535Ser (NM_001305878.2); short protein forms P535S.
Identifiers: ClinVar variation 1696946 (VCV001696946.8), dbSNP rs753999434, ClinGen allele CA175949764.

ClinVar aggregate classification (germline): Conflicting classifications of pathogenicity. Review status: criteria provided, conflicting classifications (1 of 4 stars). 2 submissions from 2 submitters: Uncertain significance (1); Likely benign (1). Last evaluated 2026-01-25.

Allele frequency attached by ClinVar (database versions not stated): gnomAD exomes 0.00002 and 0.00006; TOPMed 0.00003; gnomAD 0.00004.
gnomAD v4.1: 95 of 1,522,354 alleles (0.0062%); highest among the groups gnomAD compares: Non-Finnish European, 0.0075%; no homozygotes.

Submissions (2):

Labcorp Genetics (formerly Invitae), Labcorp
Classification: Likely benign. Last evaluated: 2026-01-25. Review status: criteria provided, single submitter. Criteria: Invitae Variant Classification Sherloc (09022015). Collection method: clinical testing. Allele origin: germline.

GeneDx
Classification: Uncertain significance. Last evaluated: 2022-07-08. Review status: criteria provided, single submitter. Criteria: GeneDx Variant Classification Process June 2021. Collection method: clinical testing. Allele origin: germline. Affected: yes.
Comment: In silico analysis supports that this missense variant has a deleterious effect on protein structure/function; Has not been previously published as pathogenic or benign to our knowledge